The following is an entry in ClinVar:

ClinVar aggregate classification (germline): Uncertain significance (1 of 4 stars; one submission).

Conditions:
Severe early-childhood-onset retinal dystrophy (STGD1). Also called: MACULAR DYSTROPHY WITH FLECKS, TYPE 1; STGD; Stargardt macular dystrophy; Juvenile onset macular degeneration; Stargardt disease 1. Identifiers: Orphanet 364055, Orphanet 827, MedGen C1855465, MeSH D000080362, MONDO:0009549, OMIM 248200.

Allele frequency attached by ClinVar (database versions not stated): 1000 Genomes Project 30x 0.01202; TOPMed 0.00606; gnomAD 0.00635; 1000 Genomes Project 0.01198.
gnomAD v4.1: 969 of 152,314 alleles (0.64%); highest among the groups gnomAD compares: South Asian, 3.9%; 5 homozygotes.

Submission:

DBGen Ocular Genomics
Classification: Uncertain significance for Severe early-childhood-onset retinal dystrophy. Last evaluated: 2022-01-01. Review status: criteria provided, single submitter. Criteria: ACMG Guidelines, 2015. Collection method: clinical testing. Allele origin: unknown. Inheritance: Autosomal recessive inheritance. Affected: yes.
Comment: Class 3 ACMG Guidelines, 2015. The algorithm predictions indicate that it activates a cryptic splicing-donating signal.

NM_000350.3(ABCA4):c.4540-1573C>T

Gene: ABCA4 (ATP binding cassette subfamily A member 4; minus strand). Cytogenetic location: 1p22.1.
Variant type: single nucleotide variant.
Coding change: c.4540-1573C>T on transcript NM_000350.3 (MANE Select); 1573 bases into the intron before coding-DNA position 4540, C replaced by T.
Molecular consequence: intron variant.
Genome position (GRCh38, 1-based): chr1:94,026,621, G>A on the plus strand (C>T on the coding strand, the complement: ABCA4 is on the minus strand). VCF-style: chr1-94026621-G-A. GRCh37 (hg19) VCF-style: chr1-94492177-G-A.
Identifiers: ClinVar variation 2628043 (VCV002628043.2), dbSNP rs144333986, ClinGen allele CA26847788.
Genomic context (GRCh38, chr1:94,026,621, plus strand): 5'-TGGCACTCAGACACCGGCCAAGCTCCCCTGGTGGAATCCAGGTTGGAAAAATTGCTGCTG[G>A]CTGCGATAGCTTATGATAAATTGTTTTATAAAAGTTCTGCCCAATAAAATATTTGTGTAA-3'